The following is an entry in ClinVar:

ClinVar aggregate classification (germline): Pathogenic (1 of 4 stars; one submission).

Conditions:
Polycystic kidney disease, adult type (PKD1). Also called: Polycystic Kidney Disease 1, Autosomal Dominant; POLYCYSTIC KIDNEY DISEASE, ADULT, TYPE I; Polycystic kidney disease 1; Polycystic kidney disease 1, severe; POLYCYSTIC KIDNEY DISEASE 1 WITH OR WITHOUT POLYCYSTIC LIVER DISEASE; Polycystic Kidney, Autosomal Dominant. Identifiers: MedGen C3149841, MONDO:0008263, OMIM 173900.

Submission:

MVZ Medizinische Genetik Mainz
Classification: Pathogenic for Polycystic kidney disease, adult type. Last evaluated: 2025-11-18. Review status: criteria provided, single submitter. Criteria: UK Practice Guidelines For Variant Classification V4 01 2020. Collection method: clinical testing. Allele origin: germline. Inheritance: Autosomal dominant inheritance. Affected: yes. Observed: 1 variant allele.
Comment: ACMG Criteria: PVS1,PM2_SUP,PP4

NM_001009944.3(PKD1):c.3795dup (p.Arg1266fs)

Gene: PKD1 (polycystin 1, transient receptor potential channel interacting; minus strand). Cytogenetic location: 16p13.3.
Variant type: Duplication.
Coding change: c.3795dup on transcript NM_001009944.3 (MANE Select); coding-DNA position 3795, one base duplicated (G; older notation c.3795dupG).
Protein change: p.Arg1266fs; shifts the reading frame from arginine 1266.
Molecular consequence: frameshift variant.
Genome position (GRCh38, 1-based): chr16:2,111,372, C duplicated on the plus strand (G on the coding strand, the reverse complement: PKD1 is on the minus strand). VCF-style (leftmost placement, unchanged base first): chr16-2111371-G-GC. GRCh37 (hg19) VCF-style: chr16-2161372-G-GC.
Other names: c.3795dup, p.Arg1266fs (NM_000296.4); short protein forms R1266fs.
Identifiers: ClinVar variation 5038084 (VCV005038084.1).
Genomic context (GRCh38, chr16:2,111,371, plus strand): 5'-TCCGGGCCAGGTGGCCGGCGGGGCTGGCCGCACCCACGGTCACTGTGCAGTTCTGTGCCC[G>GC]CAGGTACACATGCTCCACTGTTGCCTCCGGGCCCGACAGCACGGTGCCGTCCCCCATGTC-3'